The following is an entry in ClinVar:

ClinVar aggregate classification (germline): Uncertain significance. Review status: criteria provided, multiple submitters, no conflicts (2 of 4 stars). 2 submissions from 2 submitters: Uncertain significance (2). Last evaluated 2026-06-14.

Submissions (2):

Ambry Genetics
Classification: Uncertain significance. Last evaluated: 2026-06-14. Review status: criteria provided, single submitter. Criteria: Ambry Variant Classification Scheme 2023. Collection method: clinical testing. Allele origin: germline.
Comment: The p.A1226G variant (also known as c.3677C>G), located in coding exon 29 of the A2ML1 gene, results from a C to G substitution at nucleotide position 3677. The alanine at codon 1226 is replaced by glycine, an amino acid with similar properties. This amino acid position is conserved. In addition, this alteration is predicted to be tolerated by in silico analysis. Based on the available evidence, the clinical significance of this variant remains unclear.

Labcorp Genetics (formerly Invitae), Labcorp
Classification: Uncertain significance. Last evaluated: 2024-07-15. Review status: criteria provided, single submitter. Criteria: Invitae Variant Classification Sherloc (09022015). Collection method: clinical testing. Allele origin: germline.
Comment: This sequence change replaces alanine, which is neutral and non-polar, with glycine, which is neutral and non-polar, at codon 1226 of the A2ML1 protein (p.Ala1226Gly). The frequency data for this variant in the population databases is considered unreliable, as metrics indicate poor data quality at this position in the gnomAD database. This variant has not been reported in the literature in individuals affected with A2ML1-related conditions. ClinVar contains an entry for this variant (Variation ID: 960035). An algorithm developed to predict the effect of missense changes on protein structure and function (PolyPhen-2) suggests that this variant is likely to be tolerated. In summary, the available evidence is currently insufficient to determine the role of this variant in disease. Therefore, it has been classified as a Variant of Uncertain Significance.

NM_144670.6(A2ML1):c.3677C>G (p.Ala1226Gly)

Gene: A2ML1 (alpha-2-macroglobulin like 1; plus strand). Cytogenetic location: 12p13.31.
Variant type: single nucleotide variant.
Coding change: c.3677C>G on transcript NM_144670.6 (MANE Select); coding-DNA position 3677, C replaced by G.
Protein change: p.Ala1226Gly; replaces alanine 1226 with glycine.
Molecular consequence: missense variant.
Genome position (GRCh38, 1-based): chr12:8,863,968, C>G. VCF-style: chr12-8863968-C-G. GRCh37 (hg19) VCF-style: chr12-9016564-C-G.
Other names: c.2204C>G, p.Ala735Gly (NM_001282424.3); c.3677C>G (NM_144670.3); short protein forms A1226G, A735G.
Identifiers: ClinVar variation 960035 (VCV000960035.11), dbSNP rs958481200, ClinGen allele CA383842585.